The following is an entry in ClinVar:

ClinVar aggregate classification (germline): Uncertain significance. Review status: criteria provided, single submitter (1 of 4 stars). 2 submissions from 2 submitters: Uncertain significance (1). 1 of the submissions does not count toward it. Last evaluated 2020-03-06.

Conditions:
Epileptic encephalopathy. Identifiers: MedGen C0543888, HP:0200134.

Allele frequency attached by ClinVar (database versions not stated): ExAC 0.00002; gnomAD 0.00003; gnomAD exomes 0.00003; TOPMed 0.00005.
gnomAD v4.1: 46 of 1,613,984 alleles (0.0029%); highest among the groups gnomAD compares: Admixed American, 0.0083%; no homozygotes.

Submissions (2):

Labcorp Genetics (formerly Invitae), Labcorp
Classification: Uncertain significance for Epileptic encephalopathy. Last evaluated: 2020-03-06. Review status: criteria provided, single submitter. Criteria: Invitae Variant Classification Sherloc (09022015). Collection method: clinical testing. Allele origin: germline.
Comment: In summary, the available evidence is currently insufficient to determine the role of this variant in disease. Therefore, it has been classified as a Variant of Uncertain Significance. This sequence change replaces aspartic acid with asparagine at codon 4710 of the RYR3 protein (p.Asp4710Asn). The aspartic acid residue is highly conserved and there is a small physicochemical difference between aspartic acid and asparagine. This variant is present in population databases (rs431825174, ExAC 0.009%). This variant has not been reported in the literature in individuals with RYR3-related conditions. ClinVar contains an entry for this variant (Variation ID: 96984). Algorithms developed to predict the effect of missense changes on protein structure and function are either unavailable or do not agree on the potential impact of this missense change (SIFT: "Deleterious"; PolyPhen-2: "Benign"; Align-GVGD: "Class C0").

Johns Hopkins Genetic Resources Core Facility; Johns Hopkins University
No classification provided. Review status: no classification provided. Collection method: not provided. Allele origin: germline. Not counted in ClinVar's aggregate classification.

NM_001036.6(RYR3):c.14128G>A (p.Asp4710Asn)

Genes: AVEN (apoptosis and caspase activation inhibitor; minus strand), RYR3 (ryanodine receptor 3; plus strand). Cytogenetic location: 15q14.
Variant type: single nucleotide variant.
Coding change: c.14128G>A on transcript NM_001036.6 (MANE Select); coding-DNA position 14128, G replaced by A.
Protein change: p.Asp4710Asn; replaces aspartic acid 4710 with asparagine.
Molecular consequence: missense variant.
Genome position (GRCh38, 1-based): chr15:33,857,900, G>A. VCF-style: chr15-33857900-G-A. GRCh37 (hg19) VCF-style: chr15-34150101-G-A.
Other names: c.14113G>A, p.Asp4705Asn (NM_001243996.4); short protein forms D4710N, D4705N.
Identifiers: ClinVar variation 96984 (VCV000096984.9), dbSNP rs431825174, ClinGen allele CA224424.